The following is an entry in ClinVar:

ClinVar aggregate classification (germline): Likely pathogenic (1 of 4 stars; one submission).

Conditions:
Mosaic variegated aneuploidy syndrome 1 (MVA1). Also called: Warburton-Anyane-Yeboa syndrome. Identifiers: Orphanet 1052, MedGen C1850343, MONDO:0009759, OMIM 257300.

Submission:

Labcorp Genetics (formerly Invitae), Labcorp
Classification: Likely pathogenic for Mosaic variegated aneuploidy syndrome 1. Last evaluated: 2024-09-09. Review status: criteria provided, single submitter. Criteria: Invitae Variant Classification Sherloc (09022015). Collection method: clinical testing. Allele origin: germline.
Comment: This sequence change affects a donor splice site in intron 6 of the BUB1B gene. It is expected to disrupt RNA splicing. Variants that disrupt the donor or acceptor splice site typically lead to a loss of protein function (PMID: 16199547), and loss-of-function variants in BUB1B are known to be pathogenic (PMID: 15475955, 21190457). This variant is not present in population databases (gnomAD no frequency). This variant has not been reported in the literature in individuals affected with BUB1B-related conditions. Algorithms developed to predict the effect of sequence changes on RNA splicing suggest that this variant may disrupt the consensus splice site. In summary, the currently available evidence indicates that the variant is pathogenic, but additional data are needed to prove that conclusively. Therefore, this variant has been classified as Likely Pathogenic.

Literature cited by the submitters: PubMed 16199547; PubMed 15475955; PubMed 21190457.

NM_001211.6(BUB1B):c.751+1G>T

Gene: BUB1B (BUB1 mitotic checkpoint serine/threonine kinase B; plus strand). Cytogenetic location: 15q15.1.
Variant type: single nucleotide variant.
Coding change: c.751+1G>T on transcript NM_001211.6 (MANE Select); the canonical splice donor site of the intron after coding-DNA position 751, G replaced by T.
Molecular consequence: splice donor variant.
Genome position (GRCh38, 1-based): chr15:40,183,884, G>T. VCF-style: chr15-40183884-G-T. GRCh37 (hg19) VCF-style: chr15-40476085-G-T.
Identifiers: ClinVar variation 3667271 (VCV003667271.2).